The following is an entry in ClinVar:

ClinVar aggregate classification (germline): Likely benign. Review status: criteria provided, multiple submitters, no conflicts (2 of 4 stars). 3 submissions from 3 submitters: Likely benign (3). Last evaluated 2024-07-23.

Conditions:
Aortic aneurysm, familial thoracic 7 (AAT7). Also called: AORTIC DISSECTION, FAMILIAL, WITH OR WITHOUT AORTIC ANEURYSM. Identifiers: MedGen C3151077, MONDO:0013418, OMIM 613780.

Allele frequency attached by ClinVar (database versions not stated): TOPMed below 0.00001; gnomAD exomes 0.00001.
gnomAD v4.1: 4 of 1,613,732 alleles (0.00025%); highest among the groups gnomAD compares: Admixed American, 0.005%; no homozygotes.

Submissions (3):

Labcorp Genetics (formerly Invitae), Labcorp
Classification: Likely benign for Aortic aneurysm, familial thoracic 7. Last evaluated: 2024-07-23. Review status: criteria provided, single submitter. Criteria: Invitae Variant Classification Sherloc (09022015). Collection method: clinical testing. Allele origin: germline.

Blueprint Genetics
Classification: Likely benign. Last evaluated: 2023-09-26. Review status: criteria provided, single submitter. Criteria: ACMG Guidelines, 2015. Collection method: clinical testing. Allele origin: germline.

GeneDx
Classification: Likely benign. Last evaluated: 2018-03-06. Review status: criteria provided, single submitter. Criteria: GeneDx Variant Classification (06012015). Collection method: clinical testing. Allele origin: germline. Affected: yes.
Comment: This variant is considered likely benign or benign based on one or more of the following criteria: it is a conservative change, it occurs at a poorly conserved position in the protein, it is predicted to be benign by multiple in silico algorithms, and/or has population frequency not consistent with disease.

NM_053025.4(MYLK):c.3985+20G>A

Gene: MYLK (myosin light chain kinase; minus strand). Cytogenetic location: 3q21.1.
Variant type: single nucleotide variant.
Coding change: c.3985+20G>A on transcript NM_053025.4 (MANE Select); 20 bases into the intron after coding-DNA position 3985, G replaced by A.
Molecular consequence: intron variant.
Genome position (GRCh38, 1-based): chr3:123,664,085, C>T on the plus strand (G>A on the coding strand, the complement: MYLK is on the minus strand). VCF-style: chr3-123664085-C-T. GRCh37 (hg19) VCF-style: chr3-123382932-C-T.
Other names: c.3457+20G>A (NM_001321309.2); c.3778+20G>A (NM_053028.4, NM_053026.4); c.3985+20G>A (NM_053027.4).
Identifiers: ClinVar variation 515908 (VCV000515908.7), dbSNP rs1245454023, ClinGen allele CA545974637.
Genomic context (GRCh38, chr3:123,664,085, plus strand): 5'-CTGAGGCCCACGTATCTTGCCTGGGGGCTCCCTGCCTTCCCCTTGCCCCAAGCTCCATGC[C>T]ACCCAGCCACCAGACTCACCCACGACAGTGAGGTTGACCTGGGCCTGCCTGCTGCCCAGC-3'